The following is an entry in ClinVar:

ClinVar aggregate classification (germline): Uncertain significance. Review status: criteria provided, multiple submitters, no conflicts (2 of 4 stars). 2 submissions from 2 submitters: Uncertain significance (2). Last evaluated 2022-07-16.

Conditions:
Inborn genetic diseases. Identifiers: MedGen C0950123, MeSH D030342.

Submissions (2):

Labcorp Genetics (formerly Invitae), Labcorp
Classification: Uncertain significance. Last evaluated: 2022-07-16. Review status: criteria provided, single submitter. Criteria: Invitae Variant Classification Sherloc (09022015). Collection method: clinical testing. Allele origin: germline.
Comment: This variant is present in population databases (no rsID available, gnomAD 0.01%). In summary, the available evidence is currently insufficient to determine the role of this variant in disease. Therefore, it has been classified as a Variant of Uncertain Significance. Experimental studies and prediction algorithms are not available or were not evaluated, and the functional significance of this variant is currently unknown. ClinVar contains an entry for this variant (Variation ID: 1506830). This variant has not been reported in the literature in individuals affected with PLAA-related conditions. This variant, c.1450_1461del, results in the deletion of 4 amino acid(s) of the PLAA protein (p.Ser484_Thr487del), but otherwise preserves the integrity of the reading frame.

Ambry Genetics
Classification: Uncertain significance for Inborn genetic diseases. Last evaluated: 2021-06-03. Review status: criteria provided, single submitter. Criteria: Ambry Variant Classification Scheme 2023. Collection method: clinical testing. Allele origin: germline.
Comment: The c.1450_1461del12 (p.S484_T487del) alteration is located in exon 10 (coding exon 10) of the PLAA gene. This alteration consists of an in-frame deletion of 12 nucleotides between nucleotide positions c.1450 and c.1461, resulting in the deletion of 4 residues. Based on insufficient or conflicting evidence, the clinical significance of this alteration remains unclear.

NM_001031689.3(PLAA):c.1450_1461del (p.Ser484_Thr487del)

Gene: PLAA (phospholipase A2 activating protein; minus strand). Cytogenetic location: 9p21.2.
Variant type: Deletion.
Coding change: c.1450_1461del on transcript NM_001031689.3 (MANE Select); coding-DNA positions 1450 to 1461, 12 bases deleted (TCTTCTAACACA).
Protein change: p.Ser484_Thr487del.
Molecular consequence: inframe deletion. On other transcripts: intron variant (1).
Genome position (GRCh38, 1-based): chr9:26,917,122-26,917,133, TGTGTTAGAAGA deleted on the plus strand (TCTTCTAACACA on the coding strand, the reverse complement: PLAA is on the minus strand); deleting any 12 consecutive bases within chr9:26,917,122-26,917,134 gives the same sequence; the c. name uses the placement nearest the transcript's 3' end. VCF-style (leftmost placement, unchanged base first): chr9-26917121-GTGTGTTAGAAGA-G. GRCh37 (hg19) VCF-style: chr9-26917119-GTGTGTTAGAAGA-G.
Other names: c.1417+2177_1417+2188del (NM_001321546.2); c.1450_1461del12 (NM_001031689.2).
Identifiers: ClinVar variation 1506830 (VCV001506830.7), dbSNP rs1487883004, ClinGen allele CA587115396.